The following is an entry in ClinVar:

ClinVar aggregate classification (germline): Pathogenic (1 of 4 stars; one submission).

Allele frequency attached by ClinVar (database versions not stated): gnomAD exomes below 0.00001; gnomAD 0.00001; TOPMed 0.00001; ESP Exome Variant Server 0.00008.

Submission:

Labcorp Genetics (formerly Invitae), Labcorp
Classification: Pathogenic. Last evaluated: 2024-05-29. Review status: criteria provided, single submitter. Criteria: Invitae Variant Classification Sherloc (09022015). Collection method: clinical testing. Allele origin: germline.
Comment: This sequence change creates a premature translational stop signal (p.Val1110Leufs*14) in the ERCC6L2 gene. It is expected to result in an absent or disrupted protein product. Loss-of-function variants in ERCC6L2 are known to be pathogenic (PMID: 24507776, 27185855, 29146883, 29987015). This variant is present in population databases (no rsID available, gnomAD 0.002%). This variant has not been reported in the literature in individuals affected with ERCC6L2-related conditions. For these reasons, this variant has been classified as Pathogenic.

Literature cited by the submitters: PubMed 24507776; PubMed 27185855; PubMed 29146883; PubMed 29987015.

NM_020207.7(ERCC6L2):c.3295del (p.Val1099fs)

Gene: ERCC6L2 (ERCC excision repair 6 like 2; plus strand). Cytogenetic location: 9q22.32.
Variant type: Deletion.
Coding change: c.3295del on transcript NM_020207.7 (MANE Select); coding-DNA position 3295, one base deleted (G; older notation c.3295delG).
Protein change: p.Val1099fs; shifts the reading frame from valine 1099.
Molecular consequence: frameshift variant. On other transcripts: non-coding transcript variant (1).
Genome position (GRCh38, 1-based): chr9:95,973,046, G deleted. VCF-style (leftmost placement, unchanged base first): chr9-95973045-TG-T. GRCh37 (hg19) VCF-style: chr9-98735327-TG-T.
Other names: c.3295del, p.Val1099fs (NM_001375291.1, NM_001375292.1, NM_001375293.1 and 1 more transcripts); short protein forms V1099fs.
Identifiers: ClinVar variation 2967554 (VCV002967554.3), dbSNP rs1184619416, ClinGen allele CA466112694.